The following is an entry in ClinVar:

ClinVar aggregate classification (germline): Likely benign (1 of 4 stars; one submission).

Submission:

CeGaT Center for Human Genetics Tuebingen
Classification: Likely benign. Last evaluated: 2023-12-01. Review status: criteria provided, single submitter. Criteria: CeGaT Center For Human Genetics Tuebingen Variant Classification Criteria Version 2. Collection method: clinical testing. Allele origin: germline. Affected: yes. Observed: 2 variant alleles.
Comment: IQSEC1: PM2:Supporting, BP4, BP7

NM_001134382.3(IQSEC1):c.930G>T (p.Arg310=)

Gene: IQSEC1 (IQ motif and Sec7 domain ArfGEF 1; minus strand). Cytogenetic location: 3p25.2.
Variant type: single nucleotide variant.
Coding change: c.930G>T on transcript NM_001134382.3 (MANE Select); coding-DNA position 930, G replaced by T.
Protein change: p.Arg310=; no amino-acid change (arginine 310 retained).
Molecular consequence: synonymous variant.
Genome position (GRCh38, 1-based): chr3:12,936,086, C>A on the plus strand (G>T on the coding strand, the complement: IQSEC1 is on the minus strand). VCF-style: chr3-12936086-C-A. GRCh37 (hg19) VCF-style: chr3-12977586-C-A.
Other names: c.606G>T, p.Arg202= (NM_001330619.3); c.1254G>T, p.Arg418= (NM_001376938.2); c.972G>T, p.Arg324= (NM_014869.8).
Identifiers: ClinVar variation 2653560 (VCV002653560.24), dbSNP rs2470965435, ClinGen allele CA432808885.